The following is an entry in ClinVar:

ClinVar aggregate classification (germline): Likely pathogenic (1 of 4 stars; one submission).

Conditions:
Spastic paraplegia. Identifiers: MedGen C0037772, HP:0001258.

Submission:

Labcorp Genetics (formerly Invitae), Labcorp
Classification: Likely pathogenic for Spastic paraplegia. Last evaluated: 2024-02-01. Review status: criteria provided, single submitter. Criteria: Invitae Variant Classification Sherloc (09022015). Collection method: clinical testing. Allele origin: germline.
Comment: This sequence change affects an acceptor splice site in intron 6 of the ZFYVE26 gene. It is expected to disrupt RNA splicing. Variants that disrupt the donor or acceptor splice site typically lead to a loss of protein function (PMID: 16199547), and loss-of-function variants in ZFYVE26 are known to be pathogenic (PMID: 18394578, 19805727). This variant is not present in population databases (gnomAD no frequency). This variant has not been reported in the literature in individuals affected with ZFYVE26-related conditions. Algorithms developed to predict the effect of sequence changes on RNA splicing suggest that this variant may disrupt the consensus splice site. In summary, the currently available evidence indicates that the variant is pathogenic, but additional data are needed to prove that conclusively. Therefore, this variant has been classified as Likely Pathogenic.

Literature cited by the submitters: PubMed 16199547; PubMed 18394578; PubMed 19805727.

NM_015346.4(ZFYVE26):c.1018-1G>A

Gene: ZFYVE26 (zinc finger FYVE-type containing 26; minus strand). Cytogenetic location: 14q24.1.
Variant type: single nucleotide variant.
Coding change: c.1018-1G>A on transcript NM_015346.4 (MANE Select); the canonical splice acceptor site of the intron before coding-DNA position 1018, G replaced by A.
Molecular consequence: splice acceptor variant.
Genome position (GRCh38, 1-based): chr14:67,805,619, C>T on the plus strand (G>A on the coding strand, the complement: ZFYVE26 is on the minus strand). VCF-style: chr14-67805619-C-T. GRCh37 (hg19) VCF-style: chr14-68272336-C-T.
Identifiers: ClinVar variation 3638017 (VCV003638017.2).